The following is an entry in ClinVar:

ClinVar aggregate classification (germline): Uncertain significance (1 of 4 stars; one submission).

Allele frequency attached by ClinVar (database versions not stated): gnomAD exomes below 0.00001.
gnomAD v4.1: 1 of 1,614,100 alleles (0.000062%); highest among the groups gnomAD compares: Non-Finnish European, 0.000085%; no homozygotes.

Submission:

Ambry Genetics
Classification: Uncertain significance. Last evaluated: 2024-08-27. Review status: criteria provided, single submitter. Criteria: Ambry Variant Classification Scheme 2023. Collection method: clinical testing. Allele origin: germline.
Comment: The p.A598V variant (also known as c.1793C>T), located in coding exon 16 of the RAD54L gene, results from a C to T substitution at nucleotide position 1793. The alanine at codon 598 is replaced by valine, an amino acid with similar properties. This amino acid position is conserved. In addition, this alteration is predicted to be deleterious by in silico analysis. Since supporting evidence is limited at this time, the clinical significance of this alteration remains unclear.

NM_003579.4(RAD54L):c.1793C>T (p.Ala598Val)

Gene: RAD54L (RAD54 like; plus strand). Cytogenetic location: 1p34.1.
Variant type: single nucleotide variant.
Coding change: c.1793C>T on transcript NM_003579.4 (MANE Select); coding-DNA position 1793, C replaced by T.
Protein change: p.Ala598Val; replaces alanine 598 with valine.
Molecular consequence: missense variant.
Genome position (GRCh38, 1-based): chr1:46,274,641, C>T. VCF-style: chr1-46274641-C-T. GRCh37 (hg19) VCF-style: chr1-46740313-C-T.
Other names: c.1793C>T, p.Ala598Val (NM_001142548.2); c.1253C>T, p.Ala418Val (NM_001370766.1); short protein forms A598V, A418V.
Identifiers: ClinVar variation 1780221 (VCV001780221.3), dbSNP rs2148303452, ClinGen allele CA340185906.